The following is an entry in ClinVar:

NM_002972.4(SBF1):c.5311C>G (p.Arg1771Gly)

Gene: SBF1 (SET binding factor 1; minus strand). Cytogenetic location: 22q13.33.
Variant type: single nucleotide variant.
Coding change: c.5311C>G on transcript NM_002972.4 (MANE Select); coding-DNA position 5311, C replaced by G.
Protein change: p.Arg1771Gly; replaces arginine 1771 with glycine.
Molecular consequence: missense variant.
Genome position (GRCh38, 1-based): chr22:50,448,285, G>C on the plus strand (C>G on the coding strand, the complement: SBF1 is on the minus strand). VCF-style: chr22-50448285-G-C. GRCh37 (hg19) VCF-style: chr22-50886714-G-C.
Other names: c.5233C>G, p.Arg1745Gly (NM_001410795.1); c.5311C>G, p.Arg1771Gly (NM_197971.1); c.5236C>G, p.Arg1746Gly (NM_001365819.1); c.5314C>G, p.Arg1772Gly (NM_001410794.1); short protein forms R1771G, R1772G, R1745G, R1746G.
Identifiers: ClinVar variation 1979731 (VCV001979731.1), dbSNP rs138127298, ClinGen allele CA10315900.

ClinVar aggregate classification (germline): Uncertain significance (1 of 4 stars; one submission).

gnomAD v4.1: 25 of 1,613,018 alleles (0.0015%); highest among the groups gnomAD compares: Non-Finnish European, 0.002%; no homozygotes.

Submission:

Labcorp Genetics (formerly Invitae), Labcorp
Classification: Uncertain significance. Last evaluated: 2022-10-05. Review status: criteria provided, single submitter. Criteria: Invitae Variant Classification Sherloc (09022015). Collection method: clinical testing. Allele origin: germline.
Comment: This sequence change replaces arginine, which is basic and polar, with glycine, which is neutral and non-polar, at codon 1771 of the SBF1 protein (p.Arg1771Gly). This variant is present in population databases (rs138127298, gnomAD 0.004%). This variant has not been reported in the literature in individuals affected with SBF1-related conditions. Algorithms developed to predict the effect of missense changes on protein structure and function (SIFT, PolyPhen-2, Align-GVGD) all suggest that this variant is likely to be tolerated. In summary, the available evidence is currently insufficient to determine the role of this variant in disease. Therefore, it has been classified as a Variant of Uncertain Significance.